The following is an entry in ClinVar:

ClinVar aggregate classification (germline): Benign/Likely benign. Review status: criteria provided, multiple submitters, no conflicts (2 of 4 stars). 4 submissions from 4 submitters: Benign (1); Likely benign (3). Last evaluated 2025-11-17.

Conditions:
Inborn genetic diseases. Identifiers: MedGen C0950123, MeSH D030342.

Allele frequency attached by ClinVar (database versions not stated): ExAC 0.00002; gnomAD exomes 0.00005 and 0.00017; gnomAD 0.00006 and 0.00007; TOPMed 0.00007.
gnomAD v4.1: 195 of 1,209,269 alleles (0.016%); highest among the groups gnomAD compares: Middle Eastern, 0.023%; 1 homozygote.

Submissions (4):

Labcorp Genetics (formerly Invitae), Labcorp
Classification: Benign. Last evaluated: 2025-11-17. Review status: criteria provided, single submitter. Criteria: Invitae Variant Classification Sherloc (09022015). Collection method: clinical testing. Allele origin: germline.

CeGaT Center for Human Genetics Tuebingen
Classification: Likely benign. Last evaluated: 2025-07-01. Review status: criteria provided, single submitter. Criteria: CeGaT Center For Human Genetics Tuebingen Variant Classification Criteria Version 2. Collection method: clinical testing. Allele origin: germline. Affected: yes. Observed: 3 variant alleles.
Comment: PQBP1: BS2

Ambry Genetics
Classification: Likely benign for Inborn genetic diseases. Last evaluated: 2023-05-22. Review status: criteria provided, single submitter. Criteria: Ambry Variant Classification Scheme 2023. Collection method: clinical testing. Allele origin: germline.

GeneDx
Classification: Likely benign. Last evaluated: 2015-08-28. Review status: criteria provided, single submitter. Criteria: GeneDx Variant Classification (06012015). Collection method: clinical testing. Allele origin: germline. Affected: yes.
Comment: This variant is considered likely benign or benign based on one or more of the following criteria: it is a conservative change, it occurs at a poorly conserved position in the protein, it is predicted to be benign by multiple in silico algorithms, and/or has population frequency not consistent with disease.

NM_001032382.2(PQBP1):c.356G>A (p.Arg119His)

Gene: PQBP1 (polyglutamine binding protein 1; plus strand). Cytogenetic location: Xp11.23.
Variant type: single nucleotide variant.
Coding change: c.356G>A on transcript NM_001032382.2 (MANE Select); coding-DNA position 356, G replaced by A.
Protein change: p.Arg119His; replaces arginine 119 with histidine.
Molecular consequence: missense variant. On other transcripts: intron variant (2).
Genome position (GRCh38, 1-based): chrX:48,902,296, G>A. VCF-style: chrX-48902296-G-A. GRCh37 (hg19) VCF-style: chrX-48759573-G-A.
Other names: c.356G>A, p.Arg119His (NM_001032381.2, NM_001032383.2, NM_001032384.1 and 2 more transcripts); c.332G>A, p.Arg111His (NM_001167990.2); c.292+254G>A (NM_144495.3); c.202-146G>A (NM_001167992.1); short protein forms R119H, R111H.
Identifiers: ClinVar variation 378420 (VCV000378420.49), dbSNP rs781981660, ClinGen allele CA10405906.